The following is an entry in ClinVar:

NM_001130965.3(SUN1):c.1400T>C (p.Val467Ala)

Gene: SUN1 (Sad1 and UNC84 domain containing 1; plus strand). Cytogenetic location: 7p22.3.
Variant type: single nucleotide variant.
Coding change: c.1400T>C on transcript NM_001130965.3 (MANE Select); coding-DNA position 1400, T replaced by C.
Protein change: p.Val467Ala; replaces valine 467 with alanine.
Molecular consequence: missense variant. On other transcripts: non-coding transcript variant (3).
Genome position (GRCh38, 1-based): chr7:857,833, T>C. VCF-style: chr7-857833-T-C. GRCh37 (hg19) VCF-style: chr7-897470-T-C.
Other names: c.1385T>C, p.Val462Ala (NM_001367642.1); c.1592T>C, p.Val531Ala (NM_001367643.1); c.1331T>C, p.Val444Ala (NM_001367644.1); c.1448T>C, p.Val483Ala (NM_001367645.1, NM_001367681.1); c.1529T>C, p.Val510Ala (NM_001367646.1); c.1442T>C, p.Val481Ala (NM_001367647.1, NM_001367668.1); c.1262T>C, p.Val421Ala (NM_001367648.1); c.1445T>C, p.Val482Ala (NM_001367649.1); and 43 more; short protein forms V350A, V416A, V453A, V454A, V456A, V483A, V493A, V517A.
Identifiers: ClinVar variation 1376481 (VCV001376481.6), dbSNP rs1191867046, ClinGen allele CA366532890.

ClinVar aggregate classification (germline): Uncertain significance (1 of 4 stars; one submission).

Conditions:
Emery-Dreifuss muscular dystrophy (EDMD). Also called: Scapuloperoneal syndrome, X-linked (formerly); Humeroperoneal neuromuscular disease, (formerly). Identifiers: Orphanet 261, MedGen C0410189, MONDO:0016830.

Allele frequency attached by ClinVar (database versions not stated): gnomAD 0.00001; TOPMed 0.00002.

Submission:

Labcorp Genetics (formerly Invitae), Labcorp
Classification: Uncertain significance for Emery-Dreifuss muscular dystrophy. Last evaluated: 2025-05-05. Review status: criteria provided, single submitter. Criteria: Invitae Variant Classification Sherloc (09022015). Collection method: clinical testing. Allele origin: germline.
Comment: This sequence change replaces valine, which is neutral and non-polar, with alanine, which is neutral and non-polar, at codon 467 of the SUN1 protein (p.Val467Ala). This variant is not present in population databases (gnomAD no frequency). This variant has not been reported in the literature in individuals affected with SUN1-related conditions. ClinVar contains an entry for this variant (Variation ID: 1376481). An algorithm developed to predict the effect of missense changes on protein structure and function outputs the following: PolyPhen-2: "Benign". The alanine amino acid residue is found in multiple mammalian species, which suggests that this missense change does not adversely affect protein function. In summary, the available evidence is currently insufficient to determine the role of this variant in disease. Therefore, it has been classified as a Variant of Uncertain Significance.